The following is an entry in ClinVar:

NM_000238.4(KCNH2):c.1687T>G (p.Trp563Gly)

Gene: KCNH2 (potassium voltage-gated channel subfamily H member 2; minus strand). Cytogenetic location: 7q36.1.
Variant type: single nucleotide variant.
Coding change: c.1687T>G on transcript NM_000238.4 (MANE Select); coding-DNA position 1687, T replaced by G.
Protein change: p.Trp563Gly; replaces tryptophan 563 with glycine.
Molecular consequence: missense variant.
Genome position (GRCh38, 1-based): chr7:150,951,706, A>C on the plus strand (T>G on the coding strand, the complement: KCNH2 is on the minus strand). VCF-style: chr7-150951706-A-C. GRCh37 (hg19) VCF-style: chr7-150648794-A-C.
Other names: c.1687T>G (LRG_288t1); c.667T>G, p.Trp223Gly (NM_001204798.2, NM_172057.3); c.1399T>G, p.Trp467Gly (NM_001406753.1, NM_001406756.1); c.1510T>G, p.Trp504Gly (NM_001406755.1); c.1387T>G, p.Trp463Gly (NM_001406757.1); c.1687T>G, p.Trp563Gly (NM_172056.3); short protein forms W223G, W563G, W504G, W463G, W467G.
Identifiers: ClinVar variation 67233 (VCV000067233.3), dbSNP rs199472923, ClinGen allele CA005072.
Genomic context (GRCh38, chr7:150,951,706, plus strand): 5'-TGCGTGAGTCCATGTGTGGCTGCTCCATGTTGCCGATGGCGTACCAGATGCAGGCTAGCC[A>C]GTGCGCGATGAGCGCAAAGGTGCACATGAGCAAGAACAGCACGGCCGCGCCGTACTCTGA-3'
Protein context (NP_000229.1, residues 553-573): LMCTFALIAH[Trp563Gly]LACIWYAIGN

ClinVar aggregate classification (germline): not provided (0 of 4 stars; one submission).

Conditions:
Familial long QT syndrome (RWS). Also called: Congenital long QT syndrome; Romano-Ward syndrome; VENTRICULAR FIBRILLATION WITH PROLONGED QT INTERVAL. Identifiers: Orphanet 768, MedGen C1141890, MONDO:0019171.

Submission:

Cardiovascular Biomedical Research Unit, Royal Brompton & Harefield NHS Foundation Trust
No classification provided. Condition: Familial long QT syndrome. Review status: no classification provided. Collection method: literature only. Allele origin: germline.
Comment: This variant has been reported as associated with Long QT syndrome in the following publications (PMID:18441445). This is a literature report, and does not necessarily reflect the clinical interpretation of the Imperial College / Royal Brompton Cardiovascular Genetics laboratory.

Literature cited by the submitters: PubMed 18441445; PubMed 22581653.